The following is an entry in ClinVar:

NM_022089.4(ATP13A2):c.112A>G (p.Ser38Gly)

Gene: ATP13A2 (ATPase cation transporting 13A2; minus strand). Cytogenetic location: 1p36.13.
Variant type: single nucleotide variant.
Coding change: c.112A>G on transcript NM_022089.4 (MANE Select); coding-DNA position 112, A replaced by G.
Protein change: p.Ser38Gly; replaces serine 38 with glycine.
Molecular consequence: missense variant.
Genome position (GRCh38, 1-based): chr1:17,005,550, T>C on the plus strand (A>G on the coding strand, the complement: ATP13A2 is on the minus strand). VCF-style: chr1-17005550-T-C. GRCh37 (hg19) VCF-style: chr1-17332045-T-C.
Other names: c.112A>G, p.Ser38Gly (NM_001141973.3, NM_001141974.3); short protein forms S38G.
Identifiers: ClinVar variation 1306514 (VCV001306514.6), dbSNP rs780883238, ClinGen allele CA637754.

ClinVar aggregate classification (germline): Uncertain significance. Review status: criteria provided, multiple submitters, no conflicts (2 of 4 stars). 2 submissions from 2 submitters: Uncertain significance (2). Last evaluated 2022-08-22.

Conditions:
Kufor-Rakeb syndrome (KRS). Also called: PARKINSON DISEASE 9, AUTOSOMAL RECESSIVE, JUVENILE-ONSET. Identifiers: Orphanet 306674, Orphanet 314632, MedGen C1847640, MONDO:0011706, OMIM 606693.
Autosomal recessive spastic paraplegia type 78. Identifiers: Orphanet 513436, MedGen C5567893, MONDO:0014975, OMIM 617225.

Allele frequency attached by ClinVar (database versions not stated): gnomAD exomes below 0.00001; ExAC 0.00001.
gnomAD v4.1: 1 of 1,614,232 alleles (0.000062%); highest among the groups gnomAD compares: Non-Finnish European, 0.000085%; no homozygotes.

Submissions (2):

Labcorp Genetics (formerly Invitae), Labcorp
Classification: Uncertain significance for Kufor-Rakeb syndrome; Autosomal recessive spastic paraplegia type 78. Last evaluated: 2022-08-22. Review status: criteria provided, single submitter. Criteria: Invitae Variant Classification Sherloc (09022015). Collection method: clinical testing. Allele origin: germline.
Comment: Advanced modeling of protein sequence and biophysical properties (such as structural, functional, and spatial information, amino acid conservation, physicochemical variation, residue mobility, and thermodynamic stability) performed at Invitae indicates that this missense variant is not expected to disrupt ATP13A2 protein function. In summary, the available evidence is currently insufficient to determine the role of this variant in disease. Therefore, it has been classified as a Variant of Uncertain Significance. ClinVar contains an entry for this variant (Variation ID: 1306514). This variant has not been reported in the literature in individuals affected with ATP13A2-related conditions. This variant is present in population databases (rs780883238, gnomAD 0.0009%). This sequence change replaces serine, which is neutral and polar, with glycine, which is neutral and non-polar, at codon 38 of the ATP13A2 protein (p.Ser38Gly).

GeneDx
Classification: Uncertain significance. Last evaluated: 2019-06-20. Review status: criteria provided, single submitter. Criteria: GeneDx Variant Classification Process June 2021. Collection method: clinical testing. Allele origin: germline. Affected: yes.
Comment: Not observed at a significant frequency in large population cohorts (Lek et al., 2016); In silico analysis, which includes protein predictors and evolutionary conservation, supports that this variant does not alter protein structure/function; Has not been previously published as pathogenic or benign to our knowledge